The following is an entry in ClinVar:

ClinVar aggregate classification (germline): Conflicting classifications of pathogenicity. Review status: criteria provided, conflicting classifications (1 of 4 stars). 5 submissions from 5 submitters: Likely pathogenic (2); Uncertain significance (2). 1 of the submissions does not count toward it. Last evaluated 2024-09-13.

Conditions:
Autosomal recessive limb-girdle muscular dystrophy type 2D (LGMDR3). Also called: MUSCULAR DYSTROPHY, LIMB-GIRDLE, AUTOSOMAL RECESSIVE 3; ADHALINOPATHY, PRIMARY; DUCHENNE-LIKE AUTOSOMAL RECESSIVE MUSCULAR DYSTROPHY, TYPE 2. Identifiers: Orphanet 62, MedGen C2936332, MONDO:0011968, OMIM 608099. Disease mechanism: Affects gamma-sarcoglycan and also disrupts the integrity of the entire sarcoglycan complex..

Submissions (5):

Clinical Genetics Laboratory, Region Ostergotland
Classification: Likely pathogenic for Autosomal recessive limb-girdle muscular dystrophy type 2D. Last evaluated: 2024-09-13. Review status: criteria provided, single submitter. Criteria: ACMG Guidelines, 2015. Collection method: clinical testing. Allele origin: germline. Affected: yes.
Comment: The SGCA variant c.644C>T was present in the homozygous state in 2 individuals. The variant is not present in population databases (gnomAD no frequency). REVEL score is 0.699. The variant has been detected in trans with a pathogenic variant PMID:18285821. The following ACMG criteria were applied in classifying this variant: PM2, PM3, PP3, PP1

Labcorp Genetics (formerly Invitae), Labcorp
Classification: Likely pathogenic for Autosomal recessive limb-girdle muscular dystrophy type 2D. Last evaluated: 2023-09-01. Review status: criteria provided, single submitter. Criteria: Invitae Variant Classification Sherloc (09022015). Collection method: clinical testing. Allele origin: germline.
Comment: In summary, the currently available evidence indicates that the variant is pathogenic, but additional data are needed to prove that conclusively. Therefore, this variant has been classified as Likely Pathogenic. Advanced modeling of protein sequence and biophysical properties (such as structural, functional, and spatial information, amino acid conservation, physicochemical variation, residue mobility, and thermodynamic stability) performed at Invitae indicates that this missense variant is expected to disrupt SGCA protein function. ClinVar contains an entry for this variant (Variation ID: 551091). This missense change has been observed in individual(s) with limb-girdle muscular dystrophy (PMID: 18285821). In at least one individual the data is consistent with being in trans (on the opposite chromosome) from a pathogenic variant. This variant is not present in population databases (gnomAD no frequency). This sequence change replaces serine, which is neutral and polar, with phenylalanine, which is neutral and non-polar, at codon 215 of the SGCA protein (p.Ser215Phe).

Blueprint Genetics
Classification: Uncertain significance. Last evaluated: 2021-02-03. Review status: criteria provided, single submitter. Criteria: ACMG Guidelines, 2015. Collection method: clinical testing. Allele origin: germline.

Kariminejad - Najmabadi Pathology & Genetics Center
Classification: Uncertain significance for Autosomal recessive limb-girdle muscular dystrophy type 2D. Last evaluated: 2016-03-08. Review status: criteria provided, single submitter. Criteria: ACMG Guidelines, 2015. Collection method: clinical testing. Allele origin: germline. Inheritance: Autosomal recessive inheritance. Affected: yes.
Comment: PM2, PM3, PP2

Counsyl
Classification: Uncertain significance for Autosomal recessive limb-girdle muscular dystrophy type 2D. Last evaluated: 2017-03-09. Review status: no assertion criteria provided. Collection method: clinical testing. Allele origin: unknown. Not counted in ClinVar's aggregate classification.

Literature cited by the submitters: PubMed 18285821 (cited by Labcorp Genetics (formerly Invitae), Labcorp and Counsyl).

NM_000023.4(SGCA):c.644C>T (p.Ser215Phe)

Gene: SGCA (sarcoglycan alpha; plus strand). Cytogenetic location: 17q21.33.
Variant type: single nucleotide variant.
Coding change: c.644C>T on transcript NM_000023.4 (MANE Select); coding-DNA position 644, C replaced by T.
Protein change: p.Ser215Phe; replaces serine 215 with phenylalanine.
Molecular consequence: missense variant. On other transcripts: non-coding transcript variant (1), intron variant (1).
Genome position (GRCh38, 1-based): chr17:50,169,151, C>T. VCF-style: chr17-50169151-C-T. GRCh37 (hg19) VCF-style: chr17-48246512-C-T.
Other names: c.584+579C>T (NM_001135697.3); short protein forms S215F.
Identifiers: ClinVar variation 551091 (VCV000551091.9), dbSNP rs750844090, ClinGen allele CA400180597.